The following is an entry in ClinVar:

NM_000497.4(CYP11B1):c.1325_1332del (p.Pro442fs)

Genes: CYP11B1 (cytochrome P450 family 11 subfamily B member 1; minus strand), LOC106799833 (CYP11B1 recombination region; plus strand). Cytogenetic location: 8q24.3.
Variant type: Deletion.
Coding change: c.1325_1332del on transcript NM_000497.4 (MANE Select); coding-DNA positions 1325 to 1332, 8 bases deleted (CCTTTGGC; older notation c.1325_1332delCCTTTGGC).
Protein change: p.Pro442fs; shifts the reading frame from proline 442.
Molecular consequence: frameshift variant. On other transcripts: intron variant (1).
Genome position (GRCh38, 1-based): chr8:142,875,023-142,875,030, GCCAAAGG deleted on the plus strand (CCTTTGGC on the coding strand, the reverse complement: CYP11B1 is on the minus strand); deleting any 8 consecutive bases within chr8:142,875,023-142,875,032 gives the same sequence; the c. name uses the placement nearest the transcript's 3' end. VCF-style (leftmost placement, unchanged base first): chr8-142875022-AGCCAAAGG-A. GRCh37 (hg19) VCF-style: chr8-143956438-AGCCAAAGG-A.
Other names: c.1200+204_1200+211del (NM_001026213.1); short protein forms P442fs.
Identifiers: ClinVar variation 988378 (VCV000988378.2), dbSNP rs1816889095, ClinGen allele CA1139660802.

ClinVar aggregate classification (germline): Pathogenic. Review status: criteria provided, multiple submitters, no conflicts (2 of 4 stars). 2 submissions from 2 submitters: Pathogenic (2). Last evaluated 2022-05-22.

Conditions:
Deficiency of steroid 11-beta-monooxygenase (CYP11B1). Also called: ADRENAL HYPERPLASIA, CONGENITAL, DUE TO STEROID 11-BETA-HYDROXYLASE DEFICIENCY; 11-BETA-HYDROXYLASE DEFICIENCY; P450C11B1 DEFICIENCY; STEROID 11-BETA-HYDROXYLASE DEFICIENCY; Congenital adrenal hyperplasia due to 11-beta-hydroxylase deficiency; ADRENAL HYPERPLASIA IV. Identifiers: Orphanet 90795, MedGen C0268292, MONDO:0008729, OMIM 202010. Disease mechanism: loss of function.

Submissions (2):

3billion
Classification: Pathogenic for Deficiency of steroid 11-beta-monooxygenase. Last evaluated: 2022-05-22. Review status: criteria provided, single submitter. Criteria: ACMG Guidelines, 2015. Collection method: clinical testing. Allele origin: germline. Affected: yes. Observed: 1 homozygote.
Comment: The variant is not observed in the gnomAD v2.1.1 dataset. Frameshift: predicted to result in a loss or disruption of normal protein function through nonsense-mediated decay (NMD) or protein truncation. Multiple pathogenic variants are reported downstream of the variant. The variant has been reported to be associated with CYP11B1 related disorder (ClinVar ID: VCV000988378). Therefore, this variant is classified as pathogenic according to the recommendation of ACMG/AMP guideline.

Clinical Genetics and Genomics, Karolinska University Hospital
Classification: Pathogenic. Last evaluated: 2017-03-29. Review status: criteria provided, single submitter. Criteria: ACMG Guidelines, 2015. Collection method: clinical testing. Allele origin: germline. Affected: yes. Observed: 3 variant alleles.